The following is an entry in ClinVar:

NM_001374736.1(DST):c.7693G>A (p.Gly2565Ser)

Gene: DST (dystonin; minus strand). Cytogenetic location: 6p12.1.
Variant type: single nucleotide variant.
Coding change: c.7693G>A on transcript NM_001374736.1 (MANE Select); coding-DNA position 7693, G replaced by A.
Protein change: p.Gly2565Ser; replaces glycine 2565 with serine.
Molecular consequence: missense variant. On other transcripts: intron variant (6).
Genome position (GRCh38, 1-based): chr6:56,606,935, C>T on the plus strand (G>A on the coding strand, the complement: DST is on the minus strand). VCF-style: chr6-56606935-C-T. GRCh37 (hg19) VCF-style: chr6-56471733-C-T.
Other names: c.7693G>A, p.Gly2565Ser (NM_001374722.1); c.7060G>A, p.Gly2354Ser (NM_001374729.1); c.7720G>A, p.Gly2574Ser (NM_001374734.1); c.5184+3492G>A (NM_001144769.5); c.4770+3492G>A (NM_001144770.2); c.4650+3492G>A (NM_001374730.1, NM_001386100.1, NM_183380.4); c.3672+3492G>A (NM_015548.5); short protein forms G2354S, G2565S, G2574S.
Identifiers: ClinVar variation 5038588 (VCV005038588.1).

ClinVar aggregate classification (germline): Likely benign (1 of 4 stars; one submission).

gnomAD v4.1: 1,516 of 1,613,374 alleles (0.094%); highest among the groups gnomAD compares: Non-Finnish European, 0.013%; 18 homozygotes.

Submission:

CeGaT Center for Human Genetics Tuebingen
Classification: Likely benign. Last evaluated: 2026-07-01. Review status: criteria provided, single submitter. Criteria: CeGaT Center For Human Genetics Tuebingen Variant Classification Criteria Version 2. Collection method: clinical testing. Allele origin: germline. Affected: yes. Observed: 1 variant allele.
Comment: DST: BP4